The following is an entry in ClinVar:

NM_002439.5(MSH3):c.3085del (p.His1029fs)

Gene: MSH3 (mutS homolog 3; plus strand). Cytogenetic location: 5q14.1.
Variant type: Deletion.
Coding change: c.3085del on transcript NM_002439.5 (MANE Select); coding-DNA position 3085, one base deleted (C; older notation c.3085delC).
Protein change: p.His1029fs; shifts the reading frame from histidine 1029.
Molecular consequence: frameshift variant.
Genome position (GRCh38, 1-based): chr5:80,864,897, C deleted; the last of 2 consecutive C bases (chr5:80,864,896-80,864,897); deleting either gives the same sequence. VCF-style (leftmost placement, unchanged base first): chr5-80864895-AC-A. GRCh37 (hg19) VCF-style: chr5-80160714-AC-A.
Other names: c.3085delC (NM_002439.3); short protein forms H1029fs.
Identifiers: ClinVar variation 2673553 (VCV002673553.2), dbSNP rs2478789267, ClinGen allele CA2695198692.

ClinVar aggregate classification (germline): Pathogenic. Review status: criteria provided, multiple submitters, no conflicts (2 of 4 stars). 2 submissions from 2 submitters: Pathogenic (2). Last evaluated 2025-04-02.

Conditions:
Familial adenomatous polyposis 4 (FAP4). Also called: MSH3-related attenuated familial adenomatous polyposis. Identifiers: Orphanet 480536, MedGen C4310719, MONDO:0044300, OMIM 617100.
Hereditary cancer-predisposing syndrome. Also called: Tumor predisposition; Hereditary neoplastic syndrome; Neoplastic Syndromes, Hereditary; Hereditary Cancer Syndrome. Identifiers: Orphanet 140162, MedGen C0027672, MeSH D009386, MONDO:0015356.

Submissions (2):

Ambry Genetics
Classification: Pathogenic for Hereditary cancer-predisposing syndrome. Last evaluated: 2025-04-02. Review status: criteria provided, single submitter. Criteria: Ambry Variant Classification Scheme 2023. Collection method: clinical testing. Allele origin: germline.
Comment: The c.3085delC pathogenic mutation, located in coding exon 22 of the MSH3 gene, results from a deletion of one nucleotide at nucleotide position 3085, causing a translational frameshift with a predicted alternate stop codon (p.H1029Tfs*31). This variant is considered to be rare based on population cohorts in the Genome Aggregation Database (gnomAD). This alteration is expected to result in loss of function by premature protein truncation or nonsense-mediated mRNA decay. As such, this alteration is interpreted as a disease-causing mutation.

Myriad Genetics, Inc.
Classification: Pathogenic for Familial adenomatous polyposis 4. Last evaluated: 2023-08-31. Review status: criteria provided, single submitter. Criteria: Myriad Autosomal Dominant, Autosomal Recessive and X-Linked Classification Criteria (2023). Collection method: clinical testing. Allele origin: unknown.
Comment: This variant is considered pathogenic. This variant creates a frameshift predicted to result in premature protein truncation.